The following is an entry in ClinVar:

NM_005228.5(EGFR):c.848G>T (p.Gly283Val)

Gene: EGFR (epidermal growth factor receptor; plus strand). Cytogenetic location: 7p11.2.
Variant type: single nucleotide variant.
Coding change: c.848G>T on transcript NM_005228.5 (MANE Select); coding-DNA position 848, G replaced by T.
Protein change: p.Gly283Val; replaces glycine 283 with valine.
Molecular consequence: missense variant. On other transcripts: intron variant (1).
Genome position (GRCh38, 1-based): chr7:55,154,111, G>T. VCF-style: chr7-55154111-G-T. GRCh37 (hg19) VCF-style: chr7-55221804-G-T.
Other names: c.713G>T, p.Gly238Val (NM_001346897.2, NM_001346899.2); c.848G>T, p.Gly283Val (NM_001346898.2, NM_201282.2, NM_201283.2 and 1 more transcripts); c.689G>T, p.Gly230Val (NM_001346900.2); c.89-1719G>T (NM_001346941.2); short protein forms G230V, G238V, G283V.
Identifiers: ClinVar variation 1057977 (VCV001057977.9), dbSNP rs2128935084, ClinGen allele CA367577809.

ClinVar aggregate classification (germline): Uncertain significance (1 of 4 stars; one submission).

Conditions:
EGFR-related lung cancer (EGFR). Identifiers: MedGen CN130014.

Submission:

Labcorp Genetics (formerly Invitae), Labcorp
Classification: Uncertain significance for EGFR-related lung cancer. Last evaluated: 2020-03-01. Review status: criteria provided, single submitter. Criteria: Invitae Variant Classification Sherloc (09022015). Collection method: clinical testing. Allele origin: germline.
Comment: In summary, the available evidence is currently insufficient to determine the role of this variant in disease. Therefore, it has been classified as a Variant of Uncertain Significance. This sequence change replaces glycine with valine at codon 283 of the EGFR protein (p.Gly283Val). The glycine residue is highly conserved and there is a moderate physicochemical difference between glycine and valine. This variant is not present in population databases (ExAC no frequency). This variant has not been reported in the literature in individuals with EGFR-related conditions. Algorithms developed to predict the effect of missense changes on protein structure and function are either unavailable or do not agree on the potential impact of this missense change (SIFT: "Deleterious"; PolyPhen-2: "Probably Damaging"; Align-GVGD: "Class C15").